The following is an entry in ClinVar:

NM_004360.5(CDH1):c.2406C>A (p.Ala802=)

Gene: CDH1 (cadherin 1; plus strand). Cytogenetic location: 16q22.1.
Variant type: single nucleotide variant.
Coding change: c.2406C>A on transcript NM_004360.5 (MANE Select); coding-DNA position 2406, C replaced by A.
Protein change: p.Ala802=; no amino-acid change (alanine 802 retained).
Molecular consequence: synonymous variant.
Genome position (GRCh38, 1-based): chr16:68,829,764, C>A. VCF-style: chr16-68829764-C-A. GRCh37 (hg19) VCF-style: chr16-68863667-C-A.
Other names: c.2223C>A, p.Ala741= (NM_001317184.2); c.858C>A, p.Ala286= (NM_001317185.2); c.441C>A, p.Ala147= (NM_001317186.2).
Identifiers: ClinVar variation 3379301 (VCV003379301.1).

ClinVar aggregate classification (germline): Benign (1 of 4 stars; one submission).

Conditions:
Hereditary diffuse gastric adenocarcinoma (HDGC). Also called: DIFFUSE GASTRIC AND LOBULAR BREAST CANCER SYNDROME. Identifiers: Orphanet 26106, MedGen C1708349, MONDO:0007648, OMIM 137215.

Submission:

Myriad Genetics, Inc.
Classification: Benign for Hereditary diffuse gastric adenocarcinoma. Last evaluated: 2024-09-23. Review status: criteria provided, single submitter. Criteria: Myriad Autosomal Dominant, Autosomal Recessive and X-Linked Classification Criteria (2023). Collection method: clinical testing. Allele origin: unknown.
Comment: This variant is considered benign. This variant is a silent/synonymous amino acid change and it is not expected to impact splicing.